The following is an entry in ClinVar:

NM_021625.5(TRPV4):c.1586T>C (p.Ile529Thr)

Gene: TRPV4 (transient receptor potential cation channel subfamily V member 4; minus strand). Cytogenetic location: 12q24.11.
Variant type: single nucleotide variant.
Coding change: c.1586T>C on transcript NM_021625.5 (MANE Select); coding-DNA position 1586, T replaced by C.
Protein change: p.Ile529Thr; replaces isoleucine 529 with threonine.
Molecular consequence: missense variant.
Genome position (GRCh38, 1-based): chr12:109,793,599, A>G on the plus strand (T>C on the coding strand, the complement: TRPV4 is on the minus strand). VCF-style: chr12-109793599-A-G. GRCh37 (hg19) VCF-style: chr12-110231404-A-G.
Other names: c.1445T>C, p.Ile482Thr (NM_001177428.2); c.1484T>C, p.Ile495Thr (NM_001177431.2); c.1265T>C, p.Ile422Thr (NM_001177433.2); c.1406T>C, p.Ile469Thr (NM_147204.3); short protein forms I422T, I469T, I482T, I495T, I529T.
Identifiers: ClinVar variation 1691766 (VCV001691766.5), dbSNP rs976191720, ClinGen allele CA243462833.
Genomic context (GRCh38, chr12:109,793,599, plus strand): 5'-AAGGAGCCATCAATGAAGAGAGAATTCACTCCAGGGCATTTCTTCATGAACAAGTCTTTG[A>G]TCTGGAAGACAGGAGGGGGCACGTGAAAGGGGTGGGGCCAGCAGGAGAGGAGAGGAGGAG-3'
Protein context (NP_067638.3, residues 519-539): FTGVLFFFTN[Ile529Thr]KDLFMKKCPG

ClinVar aggregate classification (germline): Uncertain significance. Review status: criteria provided, multiple submitters, no conflicts (2 of 4 stars). 2 submissions from 2 submitters: Uncertain significance (2). Last evaluated 2025-09-25.

Conditions:
Charcot-Marie-Tooth disease axonal type 2C (HMSN2C). Also called: Charcot-Marie-Tooth Disease Type 2, TRPV4-Related (CMT2C); CHARCOT-MARIE-TOOTH DISEASE, AXONAL, AUTOSOMAL DOMINANT, TYPE 2C; Charcot-Marie-Tooth Neuropathy Type 2C. Identifiers: Orphanet 99937, MedGen C1853710, MONDO:0011633, OMIM 606071.

Allele frequency attached by ClinVar (database versions not stated): gnomAD exomes below 0.00001 and 0.00001; gnomAD 0.00001; TOPMed 0.00001.
gnomAD v4.1: 18 of 1,613,730 alleles (0.0011%); highest among the groups gnomAD compares: Non-Finnish European, 0.0014%; no homozygotes.

Submissions (2):

Labcorp Genetics (formerly Invitae), Labcorp
Classification: Uncertain significance for Charcot-Marie-Tooth disease axonal type 2C. Last evaluated: 2025-09-25. Review status: criteria provided, single submitter. Criteria: Invitae Variant Classification Sherloc (09022015). Collection method: clinical testing. Allele origin: germline.
Comment: This sequence change replaces isoleucine, which is neutral and non-polar, with threonine, which is neutral and polar, at codon 529 of the TRPV4 protein (p.Ile529Thr). This variant is present in population databases (no rsID available, gnomAD 0.0009%). This variant has not been reported in the literature in individuals affected with TRPV4-related conditions. ClinVar contains an entry for this variant (Variation ID: 1691766). An algorithm developed to predict the effect of missense changes on protein structure and function (PolyPhen-2) suggests that this variant is likely to be tolerated. In summary, the available evidence is currently insufficient to determine the role of this variant in disease. Therefore, it has been classified as a Variant of Uncertain Significance.

GeneDx
Classification: Uncertain significance. Last evaluated: 2022-05-24. Review status: criteria provided, single submitter. Criteria: GeneDx Variant Classification Process June 2021. Collection method: clinical testing. Allele origin: germline. Affected: yes.
Comment: Not observed at significant frequency in large population cohorts (gnomAD); In silico analysis supports that this missense variant has a deleterious effect on protein structure/function; Has not been previously published as pathogenic or benign to our knowledge